The following is an entry in ClinVar:

ClinVar aggregate classification (germline): Uncertain significance (1 of 4 stars; one submission).

Conditions:
Early-infantile DEE. Also called: Early infantile epileptic encephalopathy; Ohtahara syndrome; Early infantile epileptic encephalopathy with suppression bursts. Identifiers: Orphanet 1934, MedGen C0393706, MONDO:0800491.

Submission:

Labcorp Genetics (formerly Invitae), Labcorp
Classification: Uncertain significance for Early-infantile DEE. Last evaluated: 2024-02-15. Review status: criteria provided, single submitter. Criteria: Invitae Variant Classification Sherloc (09022015). Collection method: clinical testing. Allele origin: germline.
Comment: This sequence change replaces tyrosine, which is neutral and polar, with phenylalanine, which is neutral and non-polar, at codon 562 of the HCN1 protein (p.Tyr562Phe). This variant is not present in population databases (gnomAD no frequency). This variant has not been reported in the literature in individuals affected with HCN1-related conditions. Advanced modeling of protein sequence and biophysical properties (such as structural, functional, and spatial information, amino acid conservation, physicochemical variation, residue mobility, and thermodynamic stability) performed at Invitae indicates that this missense variant is not expected to disrupt HCN1 protein function with a negative predictive value of 80%. In summary, the available evidence is currently insufficient to determine the role of this variant in disease. Therefore, it has been classified as a Variant of Uncertain Significance.

NM_021072.4(HCN1):c.1685A>T (p.Tyr562Phe)

Gene: HCN1 (hyperpolarization activated cyclic nucleotide gated potassium channel 1; minus strand). Cytogenetic location: 5p12.
Variant type: single nucleotide variant.
Coding change: c.1685A>T on transcript NM_021072.4 (MANE Select); coding-DNA position 1685, A replaced by T.
Protein change: p.Tyr562Phe; replaces tyrosine 562 with phenylalanine.
Molecular consequence: missense variant.
Genome position (GRCh38, 1-based): chr5:45,267,187, T>A on the plus strand (A>T on the coding strand, the complement: HCN1 is on the minus strand). VCF-style: chr5-45267187-T-A. GRCh37 (hg19) VCF-style: chr5-45267289-T-A.
Other names: short protein forms Y562F.
Identifiers: ClinVar variation 3641090 (VCV003641090.2).